The following is an entry in ClinVar:

NM_000388.4(CASR):c.28C>T (p.Leu10Phe)

Gene: CASR (calcium sensing receptor; plus strand). Cytogenetic location: 3q21.1.
Variant type: single nucleotide variant.
Coding change: c.28C>T on transcript NM_000388.4 (MANE Select); coding-DNA position 28, C replaced by T.
Protein change: p.Leu10Phe; replaces leucine 10 with phenylalanine.
Molecular consequence: missense variant.
Genome position (GRCh38, 1-based): chr3:122,254,217, C>T. VCF-style: chr3-122254217-C-T. GRCh37 (hg19) VCF-style: chr3-121973064-C-T.
Other names: c.28C>T, p.Leu10Phe (NM_001178065.2); short protein forms L10F.
Identifiers: ClinVar variation 844919 (VCV000844919.11), dbSNP rs1327682547, ClinGen allele CA354361981.

ClinVar aggregate classification (germline): Uncertain significance. Review status: criteria provided, multiple submitters, no conflicts (2 of 4 stars). 2 submissions from 2 submitters: Uncertain significance (2). Last evaluated 2024-03-26.

Conditions:
Nephrolithiasis/nephrocalcinosis. Identifiers: MedGen CN580796.
Autosomal dominant hypocalcemia 1 (HYPOC1). Also called: HYPOCALCEMIA, FAMILIAL. Identifiers: MedGen C3715128, MONDO:0011013, OMIM 601198.
Familial hypocalciuric hypercalcemia (FHH). Also called: Familial benign hypercalcemia. Identifiers: Orphanet 405, MedGen C1809471, MONDO:0018458.

gnomAD v4.1: 1 of 1,613,522 alleles (0.000062%); highest among the groups gnomAD compares: Non-Finnish European, 0.000085%; no homozygotes.

Submissions (2):

Ambry Genetics
Classification: Uncertain significance for Nephrolithiasis/nephrocalcinosis. Last evaluated: 2024-03-26. Review status: criteria provided, single submitter. Criteria: Ambry Variant Classification Scheme 2023. Collection method: clinical testing. Allele origin: germline.
Comment: The p.L10F variant (also known as c.28C>T), located in coding exon 1 of the CASR gene, results from a C to T substitution at nucleotide position 28. The leucine at codon 10 is replaced by phenylalanine, an amino acid with highly similar properties. This amino acid position is well conserved in available vertebrate species. In addition, this alteration is predicted to be tolerated by in silico analysis. Based on the available evidence, the clinical significance of this alteration remains unclear.

Labcorp Genetics (formerly Invitae), Labcorp
Classification: Uncertain significance for Familial hypocalciuric hypercalcemia; Autosomal dominant hypocalcemia 1. Last evaluated: 2019-01-25. Review status: criteria provided, single submitter. Criteria: Invitae Variant Classification Sherloc (09022015). Collection method: clinical testing. Allele origin: germline.
Comment: In summary, the available evidence is currently insufficient to determine the role of this variant in disease. Therefore, it has been classified as a Variant of Uncertain Significance. Algorithms developed to predict the effect of missense changes on protein structure and function output the following: SIFT: "Deleterious"; PolyPhen-2: "Benign"; Align-GVGD: "Class C15". The phenylalanine amino acid residue is found in multiple mammalian species, suggesting that this missense change does not adversely affect protein function. These predictions have not been confirmed by published functional studies and their clinical significance is uncertain. This variant has not been reported in the literature in individuals with CASR-related conditions. This variant is not present in population databases (ExAC no frequency). This sequence change replaces leucine with phenylalanine at codon 10 of the CASR protein (p.Leu10Phe). The leucine residue is highly conserved and there is a small physicochemical difference between leucine and phenylalanine.